The following is an entry in ClinVar:

ClinVar aggregate classification (germline): Uncertain significance (1 of 4 stars; one submission).

Conditions:
Familial hemophagocytic lymphohistiocytosis 3 (FHL3). Also called: UNC13D-Related Familial Hemophagocytic Lymphohistiocytosis (UNC13D-fHLH). Identifiers: Orphanet 540, MedGen C1837174, MONDO:0012146, OMIM 608898.

Submission:

Labcorp Genetics (formerly Invitae), Labcorp
Classification: Uncertain significance for Familial hemophagocytic lymphohistiocytosis 3. Last evaluated: 2022-05-06. Review status: criteria provided, single submitter. Criteria: Invitae Variant Classification Sherloc (09022015). Collection method: clinical testing. Allele origin: germline.
Comment: In summary, the available evidence is currently insufficient to determine the role of this variant in disease. Therefore, it has been classified as a Variant of Uncertain Significance. Algorithms developed to predict the effect of sequence changes on RNA splicing suggest that this variant may create or strengthen a splice site. This variant has not been reported in the literature in individuals affected with UNC13D-related conditions. This variant is not present in population databases (gnomAD no frequency). This sequence change falls in intron 1 of the UNC13D gene. It does not directly change the encoded amino acid sequence of the UNC13D protein.

NM_199242.3(UNC13D):c.117+19G>A

Gene: UNC13D (unc-13 homolog D; minus strand). Cytogenetic location: 17q25.1.
Variant type: single nucleotide variant.
Coding change: c.117+19G>A on transcript NM_199242.3 (MANE Select); 19 bases into the intron after coding-DNA position 117, G replaced by A.
Molecular consequence: intron variant.
Genome position (GRCh38, 1-based): chr17:75,844,202, C>T on the plus strand (G>A on the coding strand, the complement: UNC13D is on the minus strand). VCF-style: chr17-75844202-C-T. GRCh37 (hg19) VCF-style: chr17-73840283-C-T.
Identifiers: ClinVar variation 2093834 (VCV002093834.4), dbSNP rs2545989573, ClinGen allele CA2580095197.